The following is an entry in ClinVar:

ClinVar aggregate classification (germline): Uncertain significance (1 of 4 stars; one submission).

Conditions:
Isolated microphthalmia 4. Identifiers: Orphanet 2542, MedGen C2751307, MONDO:0013130, OMIM 613094.
Microphthalmia, isolated, with coloboma 6 (MCOPCB6). Also called: MICROPHTHALMIA/COLOBOMA 6; Microphthalmia with coloboma 6, digenic; Microphthalmia with coloboma 6. Identifiers: Orphanet 98938, MedGen C3150968, MONDO:0013376, OMIM 613703.
Leber congenital amaurosis 17 (LCA17). Identifiers: Orphanet 65, MedGen C3715164, MONDO:0014145, OMIM 615360.
Klippel-Feil syndrome 1, autosomal dominant (KFS1). Also called: CERVICAL VERTEBRAL FUSION, AUTOSOMAL DOMINANT. Identifiers: Orphanet 2345, MedGen C1861689, MONDO:0007306, OMIM 118100.

Allele frequency attached by ClinVar (database versions not stated): TOPMed 0.00001.

Submission:

Labcorp Genetics (formerly Invitae), Labcorp
Classification: Uncertain significance for Isolated microphthalmia 4; Leber congenital amaurosis 17; Klippel-Feil syndrome 1, autosomal dominant; Microphthalmia, isolated, with coloboma 6. Last evaluated: 2023-10-23. Review status: criteria provided, single submitter. Criteria: Invitae Variant Classification Sherloc (09022015). Collection method: clinical testing. Allele origin: germline.
Comment: This sequence change replaces aspartic acid, which is acidic and polar, with tyrosine, which is neutral and polar, at codon 203 of the GDF6 protein (p.Asp203Tyr). This variant is not present in population databases (gnomAD no frequency). This variant has not been reported in the literature in individuals affected with GDF6-related conditions. Advanced modeling of protein sequence and biophysical properties (such as structural, functional, and spatial information, amino acid conservation, physicochemical variation, residue mobility, and thermodynamic stability) has been performed at Invitae for this missense variant, however the output from this modeling did not meet the statistical confidence thresholds required to predict the impact of this variant on GDF6 protein function. In summary, the available evidence is currently insufficient to determine the role of this variant in disease. Therefore, it has been classified as a Variant of Uncertain Significance.

NM_001001557.4(GDF6):c.607G>T (p.Asp203Tyr)

Gene: GDF6 (growth differentiation factor 6; minus strand). Cytogenetic location: 8q22.1.
Variant type: single nucleotide variant.
Coding change: c.607G>T on transcript NM_001001557.4 (MANE Select); coding-DNA position 607, G replaced by T.
Protein change: p.Asp203Tyr; replaces aspartic acid 203 with tyrosine.
Molecular consequence: missense variant.
Genome position (GRCh38, 1-based): chr8:96,145,324, C>A on the plus strand (G>T on the coding strand, the complement: GDF6 is on the minus strand). VCF-style: chr8-96145324-C-A. GRCh37 (hg19) VCF-style: chr8-97157552-C-A.
Other names: short protein forms D203Y.
Identifiers: ClinVar variation 2952908 (VCV002952908.3), dbSNP rs1247737934, ClinGen allele CA371752248.